The following is an entry in ClinVar:

ClinVar aggregate classification (germline): Uncertain significance (1 of 4 stars; one submission).

Conditions:
Congenital neutropenia-myelofibrosis-nephromegaly syndrome. Also called: Severe congenital neutropenia 5, autosomal recessive. Identifiers: Orphanet 369852, MedGen C3809031, MONDO:0014118, OMIM 615285.

gnomAD v4.1: 3 of 1,607,850 alleles (0.00019%); highest among the groups gnomAD compares: African/African-American, 0.004%; no homozygotes.

Submission:

Labcorp Genetics (formerly Invitae), Labcorp
Classification: Uncertain significance for Congenital neutropenia-myelofibrosis-nephromegaly syndrome. Last evaluated: 2022-06-13. Review status: criteria provided, single submitter. Criteria: Invitae Variant Classification Sherloc (09022015). Collection method: clinical testing. Allele origin: germline.
Comment: In summary, the available evidence is currently insufficient to determine the role of this variant in disease. Therefore, it has been classified as a Variant of Uncertain Significance. Algorithms developed to predict the effect of missense changes on protein structure and function (SIFT, PolyPhen-2, Align-GVGD) all suggest that this variant is likely to be tolerated. This variant has not been reported in the literature in individuals affected with VPS45-related conditions. This variant is not present in population databases (gnomAD no frequency). This sequence change replaces valine, which is neutral and non-polar, with leucine, which is neutral and non-polar, at codon 107 of the VPS45 protein (p.Val107Leu).

NM_007259.5(VPS45):c.319G>C (p.Val107Leu)

Gene: VPS45 (vacuolar protein sorting 45 homolog; plus strand). Cytogenetic location: 1q21.2.
Variant type: single nucleotide variant.
Coding change: c.319G>C on transcript NM_007259.5 (MANE Select); coding-DNA position 319, G replaced by C.
Protein change: p.Val107Leu; replaces valine 107 with leucine.
Molecular consequence: missense variant. On other transcripts: non-coding transcript variant (1).
Genome position (GRCh38, 1-based): chr1:150,076,262, G>C. VCF-style: chr1-150076262-G-C. GRCh37 (hg19) VCF-style: chr1-150048340-G-C.
Other names: c.211G>C, p.Val71Leu (NM_001279353.2, NM_001279354.2); short protein forms V107L, V71L.
Identifiers: ClinVar variation 1505696 (VCV001505696.8), dbSNP rs782553177, ClinGen allele CA30019626.
Genomic context (GRCh38, chr1:150,076,262, plus strand): 5'-CTTTGAGTCAACCCCAACTCATGTGTTTCAGATTTCAGTAATGTGATCAGCAAGAGTGAC[G>C]TGAAGTCATTGGCTGAAGCTGATGAACAGGAAGTTGTGGCTGAGGTTCAGGTAAACATAT-3'
Protein context (NP_009190.2, residues 97-117): YFSNVISKSD[Val107Leu]KSLAEADEQE